The following is an entry in ClinVar:

ClinVar aggregate classification (germline): Likely benign. Review status: criteria provided, multiple submitters, no conflicts (2 of 4 stars). 2 submissions from 2 submitters: Likely benign (2). Last evaluated 2025-12-23.

Allele frequency attached by ClinVar (database versions not stated): gnomAD 0.00003; gnomAD exomes 0.00004; ExAC 0.00007; TOPMed 0.00009; ESP Exome Variant Server 0.00015.
gnomAD v4.1: 71 of 1,613,956 alleles (0.0044%); highest among the groups gnomAD compares: Middle Eastern, 0.033%; no homozygotes.

Submissions (2):

Labcorp Genetics (formerly Invitae), Labcorp
Classification: Likely benign. Last evaluated: 2025-12-23. Review status: criteria provided, single submitter. Criteria: Invitae Variant Classification Sherloc (09022015). Collection method: clinical testing. Allele origin: germline.

CeGaT Center for Human Genetics Tuebingen
Classification: Likely benign. Last evaluated: 2025-04-01. Review status: criteria provided, single submitter. Criteria: CeGaT Center For Human Genetics Tuebingen Variant Classification Criteria Version 2. Collection method: clinical testing. Allele origin: germline. Affected: yes. Observed: 1 variant allele.
Comment: SIN3A: BP4, BP7

NM_001145358.2(SIN3A):c.1138C>T (p.Leu380=)

Gene: SIN3A (SIN3 transcription regulator family member A; minus strand). Cytogenetic location: 15q24.2.
Variant type: single nucleotide variant.
Coding change: c.1138C>T on transcript NM_001145358.2 (MANE Select); coding-DNA position 1138, C replaced by T.
Protein change: p.Leu380=; no amino-acid change (leucine 380 retained).
Molecular consequence: synonymous variant.
Genome position (GRCh38, 1-based): chr15:75,410,157, G>A on the plus strand (C>T on the coding strand, the complement: SIN3A is on the minus strand). VCF-style: chr15-75410157-G-A. GRCh37 (hg19) VCF-style: chr15-75702498-G-A.
Other names: c.1138C>T, p.Leu380= (NM_001145357.2, NM_015477.3).
Identifiers: ClinVar variation 2421841 (VCV002421841.14), dbSNP rs139503359, ClinGen allele CA7667742.
Genomic context (GRCh38, chr15:75,410,157, plus strand): 5'-AATAGTAAATAGTGTAATTCTTATTAAAAAAACATACCACGGAGCTGTTGGCATCTGGTA[G>A]GAATTGTCCAAACTCTGACAACAAATCTTCCTGGTTTTTAAAGAGACGAGCAACCTGGGC-3'
Protein context (NP_001138830.1, residues 370-390): EDLLSEFGQF[Leu380=]PDANSSVLLS